The following is an entry in ClinVar:

ClinVar aggregate classification (germline): Uncertain significance (1 of 4 stars; one submission).

Submission:

Labcorp Genetics (formerly Invitae), Labcorp
Classification: Uncertain significance. Last evaluated: 2024-08-12. Review status: criteria provided, single submitter. Criteria: Invitae Variant Classification Sherloc (09022015). Collection method: clinical testing. Allele origin: germline.
Comment: This sequence change replaces arginine, which is basic and polar, with leucine, which is neutral and non-polar, at codon 381 of the GRM6 protein (p.Arg381Leu). This variant is not present in population databases (gnomAD no frequency). This variant has not been reported in the literature in individuals affected with GRM6-related conditions. ClinVar contains an entry for this variant (Variation ID: 1461883). Advanced modeling of protein sequence and biophysical properties (such as structural, functional, and spatial information, amino acid conservation, physicochemical variation, residue mobility, and thermodynamic stability) performed at Invitae indicates that this missense variant is not expected to disrupt GRM6 protein function with a negative predictive value of 80%. In summary, the available evidence is currently insufficient to determine the role of this variant in disease. Therefore, it has been classified as a Variant of Uncertain Significance.

NM_000843.4(GRM6):c.1142G>T (p.Arg381Leu)

Genes: GRM6 (glutamate metabotropic receptor 6; minus strand), ZNF454 (zinc finger protein 454; plus strand). Cytogenetic location: 5q35.3.
Variant type: single nucleotide variant.
Coding change: c.1142G>T on transcript NM_000843.4 (MANE Select); coding-DNA position 1142, G replaced by T.
Protein change: p.Arg381Leu; replaces arginine 381 with leucine.
Molecular consequence: missense variant.
Genome position (GRCh38, 1-based): chr5:178,989,276, C>A on the plus strand (G>T on the coding strand, the complement: GRM6 is on the minus strand). VCF-style: chr5-178989276-C-A. GRCh37 (hg19) VCF-style: chr5-178416277-C-A.
Other names: short protein forms R381L.
Identifiers: ClinVar variation 1461883 (VCV001461883.8), dbSNP rs138843463, ClinGen allele CA362430310.